The following is an entry in ClinVar:

ClinVar aggregate classification (germline): Uncertain significance (1 of 4 stars; one submission).

Conditions:
STAG1-related disorder. Also called: STAG1-related disorders.

gnomAD v4.1: 1 of 1,613,174 alleles (0.000062%); highest among the groups gnomAD compares: African/African-American, 0.0013%; no homozygotes.

Submission:

PreventionGenetics, part of Exact Sciences
Classification: Uncertain significance for STAG1-related condition. Last evaluated: 2025-12-28. Review status: criteria provided, single submitter. Criteria: ACMG Guidelines, 2015. Collection method: clinical testing. Allele origin: germline.
Comment: The STAG1 c.205C>G variant is predicted to result in the amino acid substitution p.Arg69Gly. To our knowledge, this variant has not been reported in the literature. This variant is reported in 0.0062% of alleles in individuals of African descent in gnomAD. At this time, the clinical significance of this variant is uncertain due to the absence of conclusive functional and genetic evidence.

NM_005862.3(STAG1):c.205C>G (p.Arg69Gly)

Gene: STAG1 (STAG1 cohesin complex component; minus strand). Cytogenetic location: 3q22.3.
Variant type: single nucleotide variant.
Coding change: c.205C>G on transcript NM_005862.3 (MANE Select); coding-DNA position 205, C replaced by G.
Protein change: p.Arg69Gly; replaces arginine 69 with glycine.
Molecular consequence: missense variant.
Genome position (GRCh38, 1-based): chr3:136,604,401, G>C on the plus strand (C>G on the coding strand, the complement: STAG1 is on the minus strand). VCF-style: chr3-136604401-G-C. GRCh37 (hg19) VCF-style: chr3-136323243-G-C.
Other names: short protein forms R69G.
Identifiers: ClinVar variation 4999978 (VCV004999978.1).